The following is an entry in ClinVar:

ClinVar aggregate classification (germline): Uncertain significance (1 of 4 stars; one submission).

gnomAD v4.1: 2 of 1,490,366 alleles (0.00013%); highest among the groups gnomAD compares: Non-Finnish European, 0.000089%; no homozygotes.

Submission:

Ambry Genetics
Classification: Uncertain significance. Last evaluated: 2025-04-16. Review status: criteria provided, single submitter. Criteria: Ambry Variant Classification Scheme 2023. Collection method: clinical testing. Allele origin: germline.
Comment: The p.P90T variant (also known as c.268C>A), located in coding exon 1 of the PALLD gene, results from a C to A substitution at nucleotide position 268. The proline at codon 90 is replaced by threonine, an amino acid with highly similar properties. This amino acid position is conserved. In addition, the in silico prediction for this alteration is inconclusive. Based on the available evidence, the clinical significance of this variant remains unclear.

NM_001166108.2(PALLD):c.1965-12763C>A

Gene: PALLD (palladin, cytoskeletal associated protein; plus strand). Cytogenetic location: 4q32.3.
Variant type: single nucleotide variant.
Coding change: c.1965-12763C>A on transcript NM_001166108.2 (MANE Select); 12763 bases into the intron before coding-DNA position 1965, C replaced by A.
Molecular consequence: intron variant. On other transcripts: missense variant (1).
Genome position (GRCh38, 1-based): chr4:168,878,159, C>A. VCF-style: chr4-168878159-C-A. GRCh37 (hg19) VCF-style: chr4-169799310-C-A.
Other names: c.268C>A, p.Pro90Thr (NM_001166110.2); c.1965-12763C>A (NM_016081.4); c.819-12763C>A (NM_001166109.2); c.-157-12763C>A (NM_001367570.1, NM_001367568.1, NM_001367567.1 and 1 more transcripts); short protein forms P90T.
Identifiers: ClinVar variation 3927493 (VCV003927493.1).
Genomic context (GRCh38, chr4:168,878,159, plus strand): 5'-GCGCAGCCCTTCGGCGCTGAGCCCGAGGCCCCGTGGGGCTCCTCCTCGCCGTCGCCCCCG[C>A]CCCCGCCACCCCCGGTCTTCAGCCCCACGGCTGCCTTCCCGGTGCCCGACGTGTTCCCAC-3'